The following is an entry in ClinVar:

NM_014727.3(KMT2B):c.3137G>A (p.Arg1046His)

Gene: KMT2B (lysine methyltransferase 2B; plus strand). Cytogenetic location: 19q13.12.
Variant type: single nucleotide variant.
Coding change: c.3137G>A on transcript NM_014727.3 (MANE Select); coding-DNA position 3137, G replaced by A.
Protein change: p.Arg1046His; replaces arginine 1046 with histidine.
Molecular consequence: missense variant.
Genome position (GRCh38, 1-based): chr19:35,723,810, G>A. VCF-style: chr19-35723810-G-A. GRCh37 (hg19) VCF-style: chr19-36214711-G-A.
Other names: short protein forms R1046H.
Identifiers: ClinVar variation 2181267 (VCV002181267.4), dbSNP rs779455230, ClinGen allele CA9384662.

ClinVar aggregate classification (germline): Uncertain significance (1 of 4 stars; one submission).

Allele frequency attached by ClinVar (database versions not stated): gnomAD exomes below 0.00001; ExAC 0.00001; gnomAD 0.00001; TOPMed 0.00003.
gnomAD v4.1: 9 of 1,592,464 alleles (0.00057%); highest among the groups gnomAD compares: Admixed American, 0.0018%; no homozygotes.

Submission:

Labcorp Genetics (formerly Invitae), Labcorp
Classification: Uncertain significance. Last evaluated: 2022-09-20. Review status: criteria provided, single submitter. Criteria: Invitae Variant Classification Sherloc (09022015). Collection method: clinical testing. Allele origin: germline.
Comment: In summary, the available evidence is currently insufficient to determine the role of this variant in disease. Therefore, it has been classified as a Variant of Uncertain Significance. Advanced modeling of protein sequence and biophysical properties (such as structural, functional, and spatial information, amino acid conservation, physicochemical variation, residue mobility, and thermodynamic stability) performed at Invitae indicates that this missense variant is not expected to disrupt KMT2B protein function. This variant has not been reported in the literature in individuals affected with KMT2B-related conditions. The frequency data for this variant in the population databases is considered unreliable, as metrics indicate poor data quality at this position in the gnomAD database. This sequence change replaces arginine, which is basic and polar, with histidine, which is basic and polar, at codon 1046 of the KMT2B protein (p.Arg1046His).